The following is an entry in ClinVar:

ClinVar aggregate classification (germline): Likely pathogenic (1 of 4 stars; one submission).

Conditions:
Autosomal dominant COL2A1-related disorders.

Submission:

Variantyx, Inc.
Classification: Likely pathogenic for Autosomal dominant COL2A1-related disorders. Last evaluated: 2025-10-02. Review status: criteria provided, single submitter. Criteria: Variantyx Assertion Criteria 2022. Collection method: clinical testing. Allele origin: de novo. Inheritance: Autosomal dominant inheritance. Affected: yes.
Comment: This is a canonical splicing variant in the COL2A1 gene (OMIM: 120140). Pathogenic variants in this gene have been associated with autosomal dominant COL2A1-related disorders. Loss of function is a known disease mechanism for COL2A1 in these disorders(PMID: 27390512, 27408751, 17721977). However, the functional consequence of this splicing variant cannot be predicted with certainty (PVS1_Moderate). This variant is absent from control populations (PM2) and it has not been reported in individuals with COL2A1-related disorders in the databases available for review. Based on the current evidence, this variant is classified as likely pathogenic for autosomal dominant COL2A1-related disorders.

Literature cited by the submitters: PubMed 27390512; PubMed 27408751; PubMed 17721977.

NM_001844.5(COL2A1):c.1068+1G>T

Gene: COL2A1 (collagen type II alpha 1 chain; minus strand). Cytogenetic location: 12q13.11.
Variant type: single nucleotide variant.
Coding change: c.1068+1G>T on transcript NM_001844.5 (MANE Select); the canonical splice donor site of the intron after coding-DNA position 1068, G replaced by T.
Molecular consequence: splice donor variant.
Genome position (GRCh38, 1-based): chr12:47,989,760, C>A on the plus strand (G>T on the coding strand, the complement: COL2A1 is on the minus strand). VCF-style: chr12-47989760-C-A. GRCh37 (hg19) VCF-style: chr12-48383543-C-A.
Other names: c.861+1G>T (NM_033150.3).
Identifiers: ClinVar variation 4850170 (VCV004850170.1).